The following is an entry in ClinVar:

NM_001042492.3(NF1):c.3276T>G (p.Gly1092=)

Gene: NF1 (neurofibromin 1; plus strand). Cytogenetic location: 17q11.2.
Variant type: single nucleotide variant.
Coding change: c.3276T>G on transcript NM_001042492.3 (MANE Select); coding-DNA position 3276, T replaced by G.
Protein change: p.Gly1092=; no amino-acid change (glycine 1092 retained).
Molecular consequence: synonymous variant.
Genome position (GRCh38, 1-based): chr17:31,232,151, T>G. VCF-style: chr17-31232151-T-G. GRCh37 (hg19) VCF-style: chr17-29559169-T-G.
Other names: c.3276T>G, p.Gly1092= (NM_000267.4).
Identifiers: ClinVar variation 766695 (VCV000766695.10), dbSNP rs763555840, ClinGen allele CA8486128.
Genomic context (GRCh38, chr17:31,232,151, plus strand): 5'-CATGGAAGCAGTAGTTTCACTTCTAGCTGGTCTCCCTCTGCAGCCTGAAGAAGGAGATGG[T>G]GTGGAATTGATGGAAGCCAAATCACAGTTATTTCTTAAGTAAATTTCAGTCACCAAAAAA-3'
Protein context (NP_001035957.1, residues 1082-1102): GLPLQPEEGD[Gly1092=]VELMEAKSQL

ClinVar aggregate classification (germline): Benign/Likely benign. Review status: criteria provided, multiple submitters, no conflicts (2 of 4 stars). 2 submissions from 2 submitters: Benign (1); Likely benign (1). Last evaluated 2026-09-29.

Conditions:
Neurofibromatosis, type 1 (NF1). Also called: Neurofibromatosis, type I; Peripheral type neurofibromatosis; VON RECKLINGHAUSEN DISEASE; NEUROFIBROMATOSIS, TYPE I, SOMATIC. Identifiers: Orphanet 636, MedGen C0027831, MONDO:0018975, OMIM 162200. Disease mechanism: loss of function.

Allele frequency attached by ClinVar (database versions not stated): gnomAD exomes below 0.00001; ExAC 0.00001.

Submissions (2):

Myriad Genetics, Inc.
Classification: Benign for Neurofibromatosis, type 1. Last evaluated: 2026-09-29. Review status: criteria provided, single submitter. Criteria: Myriad Autosomal Dominant, Autosomal Recessive and X-Linked Classification Criteria (2023). Collection method: clinical testing. Allele origin: unknown.
Comment: This variant is considered benign. This variant is a silent/synonymous amino acid change and it is not expected to impact splicing.

Labcorp Genetics (formerly Invitae), Labcorp
Classification: Likely benign for Neurofibromatosis, type 1. Last evaluated: 2025-06-03. Review status: criteria provided, single submitter. Criteria: Invitae Variant Classification Sherloc (09022015). Collection method: clinical testing. Allele origin: germline.